The following is an entry in ClinVar:

ClinVar aggregate classification (germline): Likely benign (0 of 4 stars; one submission).

Conditions:
AXIN1-related disorder. Also called: AXIN1-related condition.

Allele frequency attached by ClinVar (database versions not stated): gnomAD 0.00005; TOPMed 0.00010; ExAC 0.00014.
gnomAD v4.1: 93 of 1,611,478 alleles (0.0058%); highest among the groups gnomAD compares: Admixed American, 0.07%; no homozygotes.

Submission:

PreventionGenetics, part of Exact Sciences
Classification: Likely benign for AXIN1-related condition. Last evaluated: 2019-11-20. Review status: no assertion criteria provided. Collection method: clinical testing. Allele origin: germline.
Comment: This variant is classified as likely benign based on ACMG/AMP sequence variant interpretation guidelines (Richards et al. 2015 PMID: 25741868, with internal and published modifications).

NM_003502.4(AXIN1):c.1842C>T (p.Ser614=)

Gene: AXIN1 (axin 1; minus strand). Cytogenetic location: 16p13.3.
Variant type: single nucleotide variant.
Coding change: c.1842C>T on transcript NM_003502.4 (MANE Select); coding-DNA position 1842, C replaced by T.
Protein change: p.Ser614=; no amino-acid change (serine 614 retained).
Molecular consequence: synonymous variant. On other transcripts: non-coding transcript variant (1).
Genome position (GRCh38, 1-based): chr16:297,169, G>A on the plus strand (C>T on the coding strand, the complement: AXIN1 is on the minus strand). VCF-style: chr16-297169-G-A. GRCh37 (hg19) VCF-style: chr16-347169-G-A.
Other names: c.1842C>T, p.Ser614= (NM_181050.3).
Identifiers: ClinVar variation 3048903 (VCV003048903.2), dbSNP rs758547828, ClinGen allele CA7774058.